The following is an entry in ClinVar:

ClinVar aggregate classification (germline): Benign. Review status: criteria provided, multiple submitters, no conflicts (2 of 4 stars). 2 submissions from 2 submitters: Benign (2). Last evaluated 2018-01-12.

Conditions:
Gaze palsy, familial horizontal, with progressive scoliosis 1 (HGPPS1). Identifiers: Orphanet 2744, MedGen C4551964, MONDO:0020790, OMIM 607313.

Allele frequency attached by ClinVar (database versions not stated): gnomAD exomes 0.04769; ExAC 0.05115; ESP Exome Variant Server 0.10020; gnomAD 0.10043 and 0.10601; 1000 Genomes Project 0.10743; TOPMed 0.10791; 1000 Genomes Project 30x 0.11102.
gnomAD v4.1: 72,576 of 1,613,342 alleles (4.5%); highest among the groups gnomAD compares: African/African-American, 26%; 3,637 homozygotes.

Submissions (3):

Illumina Laboratory Services, Illumina
Classification: Benign for Gaze palsy, familial horizontal, with progressive scoliosis 1. Last evaluated: 2018-01-12. Review status: criteria provided, single submitter. Criteria: ICSL Variant Classification Criteria 13 December 2019. Collection method: clinical testing. Allele origin: germline.
Comment: This variant was observed in the ICSL laboratory as part of a predisposition screen in an ostensibly healthy population. It had not been previously curated by ICSL or reported in the Human Gene Mutation Database (HGMD: prior to June 1st, 2018), and was therefore a candidate for classification through an automated scoring system. Utilizing variant allele frequency, disease prevalence and penetrance estimates, and inheritance mode, an automated score was calculated to assess if this variant is too frequent to cause the disease. Based on the score and internal cut-off values, a variant classified as benign is not then subjected to further curation. The score for this variant resulted in a classification of benign for this disease.

Breakthrough Genomics
Classification: Benign. Review status: criteria provided, single submitter. Criteria: ACMG Guidelines, 2015. Collection method: not provided. Allele origin: germline. Inheritance: Autosomal recessive inheritance. Affected: yes.

Dr. Peter K. Rogan Lab, Western University
No classification provided (evidence only). Condition: Sarcoma. Review status: no classification provided. Collection method: in vitro. Allele origin: not applicable. Functional consequence: retained intron. Not counted in ClinVar's aggregate classification.

NM_022370.4(ROBO3):c.1104C>T (p.Cys368=)

Gene: ROBO3 (roundabout guidance receptor 3; plus strand). Cytogenetic location: 11q24.2.
Variant type: single nucleotide variant.
Coding change: c.1104C>T on transcript NM_022370.4 (MANE Select); coding-DNA position 1104, C replaced by T.
Protein change: p.Cys368=; no amino-acid change (cysteine 368 retained).
Molecular consequence: synonymous variant.
Genome position (GRCh38, 1-based): chr11:124,871,084, C>T. VCF-style: chr11-124871084-C-T. GRCh37 (hg19) VCF-style: chr11-124740980-C-T.
Other names: NC_000011.9:g.124740980C>T.
Identifiers: ClinVar variation 303233 (VCV000303233.7), dbSNP rs35978862, ClinGen allele CA6343399.